The following is an entry in ClinVar:

NM_012062.5(DNM1L):c.10C>G (p.Leu4Val)

Gene: DNM1L (dynamin 1 like; plus strand). Cytogenetic location: 12p11.21.
Variant type: single nucleotide variant.
Coding change: c.10C>G on transcript NM_012062.5 (MANE Select); coding-DNA position 10, C replaced by G.
Protein change: p.Leu4Val; replaces leucine 4 with valine.
Molecular consequence: missense variant. On other transcripts: 5 prime UTR variant (1).
Genome position (GRCh38, 1-based): chr12:32,679,373, C>G. VCF-style: chr12-32679373-C-G. GRCh37 (hg19) VCF-style: chr12-32832307-C-G.
Other names: c.10C>G, p.Leu4Val (NM_001278463.2, NM_001278464.2, NM_001278465.2 and 3 more transcripts); c.-196C>G (NM_001278466.2); short protein forms L4V.
Identifiers: ClinVar variation 2702643 (VCV002702643.3), dbSNP rs1270620589, ClinGen allele CA384359127.

ClinVar aggregate classification (germline): Uncertain significance (1 of 4 stars; one submission).

Submission:

Labcorp Genetics (formerly Invitae), Labcorp
Classification: Uncertain significance. Last evaluated: 2023-12-13. Review status: criteria provided, single submitter. Criteria: Invitae Variant Classification Sherloc (09022015). Collection method: clinical testing. Allele origin: germline.
Comment: This sequence change replaces leucine, which is neutral and non-polar, with valine, which is neutral and non-polar, at codon 4 of the DNM1L protein (p.Leu4Val). This variant is not present in population databases (gnomAD no frequency). This variant has not been reported in the literature in individuals affected with DNM1L-related conditions. An algorithm developed to predict the effect of missense changes on protein structure and function (PolyPhen-2) suggests that this variant is likely to be disruptive. In summary, the available evidence is currently insufficient to determine the role of this variant in disease. Therefore, it has been classified as a Variant of Uncertain Significance.